The following is an entry in ClinVar:

NM_019098.5(CNGB3):c.1327G>T (p.Asp443Tyr)

Gene: CNGB3 (cyclic nucleotide gated channel subunit beta 3; minus strand). Cytogenetic location: 8q21.3.
Variant type: single nucleotide variant.
Coding change: c.1327G>T on transcript NM_019098.5 (MANE Select); coding-DNA position 1327, G replaced by T.
Protein change: p.Asp443Tyr; replaces aspartic acid 443 with tyrosine.
Molecular consequence: missense variant.
Genome position (GRCh38, 1-based): chr8:86,629,072, C>A on the plus strand (G>T on the coding strand, the complement: CNGB3 is on the minus strand). VCF-style: chr8-86629072-C-A. GRCh37 (hg19) VCF-style: chr8-87641300-C-A.
Other names: c.1327G>T (NM_019098.4); short protein forms D443Y.
Identifiers: ClinVar variation 1507193 (VCV001507193.9), dbSNP rs144689967, ClinGen allele CA4800051.
Genomic context (GRCh38, chr8:86,629,072, plus strand): 5'-TGGTGTCATCCATGCAGGCGCGGAAGTAGTTCTGATTGGCTGTAGCTGCTCCAATCACAT[C>A]TCTCATCTAAAACCACAAATATGGTCACTCCACGCCCAGCAGAGGAAATGAGTTAATAAA-3'
Protein context (NP_061971.3, residues 433-453): VFSSLIGQMR[Asp443Tyr]VIGAATANQN

ClinVar aggregate classification (germline): Uncertain significance. Review status: criteria provided, multiple submitters, no conflicts (2 of 4 stars). 2 submissions from 2 submitters: Uncertain significance (2). Last evaluated 2025-01-03.

Conditions:
Inborn genetic diseases. Identifiers: MedGen C0950123, MeSH D030342.

Allele frequency attached by ClinVar (database versions not stated): TOPMed below 0.00001; ExAC 0.00001; gnomAD 0.00001; gnomAD exomes 0.00001; ESP Exome Variant Server 0.00008.
gnomAD v4.1: 9 of 1,613,894 alleles (0.00056%); highest among the groups gnomAD compares: African/African-American, 0.0013%; no homozygotes.

Submissions (2):

Ambry Genetics
Classification: Uncertain significance for Inborn genetic diseases. Last evaluated: 2025-01-03. Review status: criteria provided, single submitter. Criteria: Ambry Variant Classification Scheme 2023. Collection method: clinical testing. Allele origin: germline.

Labcorp Genetics (formerly Invitae), Labcorp
Classification: Uncertain significance. Last evaluated: 2024-01-22. Review status: criteria provided, single submitter. Criteria: Invitae Variant Classification Sherloc (09022015). Collection method: clinical testing. Allele origin: germline.
Comment: This sequence change replaces aspartic acid, which is acidic and polar, with tyrosine, which is neutral and polar, at codon 443 of the CNGB3 protein (p.Asp443Tyr). This variant is present in population databases (rs144689967, gnomAD 0.002%). This variant has not been reported in the literature in individuals affected with CNGB3-related conditions. ClinVar contains an entry for this variant (Variation ID: 1507193). Advanced modeling of protein sequence and biophysical properties (such as structural, functional, and spatial information, amino acid conservation, physicochemical variation, residue mobility, and thermodynamic stability) performed at Invitae indicates that this missense variant is expected to disrupt CNGB3 protein function with a positive predictive value of 80%. In summary, the available evidence is currently insufficient to determine the role of this variant in disease. Therefore, it has been classified as a Variant of Uncertain Significance.